The following is an entry in ClinVar:

ClinVar aggregate classification (germline): Likely pathogenic (1 of 4 stars; one submission).

Conditions:
Niemann-Pick disease, type C1. Also called: NEUROVISCERAL STORAGE DISEASE WITH VERTICAL SUPRANUCLEAR OPHTHALMOPLEGIA; NIEMANN-PICK DISEASE WITH CHOLESTEROL ESTERIFICATION BLOCK; NIEMANN-PICK DISEASE WITHOUT SPHINGOMYELINASE DEFICIENCY; NIEMANN-PICK DISEASE, CHRONIC NEURONOPATHIC FORM; NIEMANN-PICK DISEASE, VARIANT TYPE C1. Identifiers: Orphanet 646, MedGen C3179455, MONDO:0009757, OMIM 257220.

Submission:

Natera, Inc.
Classification: Likely pathogenic for Niemann-Pick disease type C1. Last evaluated: 2025-03-31. Review status: criteria provided, single submitter. Criteria: Natera Variant Classification Schema (03/2026). Collection method: clinical testing. Allele origin: germline.
Comment: The c.873G>A variant in NPC1 is a nonsense variant predicted to introduce a stop codon at amino acid 291. This variant is expected to result in nonsense mediated decay, truncation, or a dysfunctional protein product. This variant is rare in the general population with a frequency below the threshold expected for the associated phenotype(s). Given the available evidence, this variant is classified as Likely Pathogenic.

NM_000271.5(NPC1):c.873G>A (p.Trp291Ter)

Gene: NPC1 (NPC intracellular cholesterol transporter 1; minus strand). Cytogenetic location: 18q11.2.
Variant type: single nucleotide variant.
Coding change: c.873G>A on transcript NM_000271.5 (MANE Select); coding-DNA position 873, G replaced by A.
Protein change: p.Trp291Ter; replaces tryptophan 291 with a stop codon.
Molecular consequence: nonsense.
Genome position (GRCh38, 1-based): chr18:23,560,239, C>T on the plus strand (G>A on the coding strand, the complement: NPC1 is on the minus strand). VCF-style: chr18-23560239-C-T. GRCh37 (hg19) VCF-style: chr18-21140203-C-T.
Other names: short protein forms W291*.
Identifiers: ClinVar variation 4058928 (VCV004058928.2).